The following is an entry in ClinVar:

NM_018993.4(RIN2):c.799G>C (p.Gly267Arg)

Gene: RIN2 (Ras and Rab interactor 2; plus strand). Cytogenetic location: 20p11.23.
Variant type: single nucleotide variant.
Coding change: c.799G>C on transcript NM_018993.4 (MANE Select); coding-DNA position 799, G replaced by C.
Protein change: p.Gly267Arg; replaces glycine 267 with arginine.
Molecular consequence: missense variant.
Genome position (GRCh38, 1-based): chr20:19,974,824, G>C. VCF-style: chr20-19974824-G-C. GRCh37 (hg19) VCF-style: chr20-19955468-G-C.
Other names: c.946G>C, p.Gly316Arg (NM_001242581.2); c.181G>C, p.Gly61Arg (NM_001378238.1); c.799G>C (NM_018993.3); short protein forms G316R, G267R, G61R.
Identifiers: ClinVar variation 2074728 (VCV002074728.3), dbSNP rs766561913, ClinGen allele CA9779935.

ClinVar aggregate classification (germline): Uncertain significance. Review status: criteria provided, multiple submitters, no conflicts (2 of 4 stars). 3 submissions from 3 submitters: Uncertain significance (3). Last evaluated 2023-12-15.

Conditions:
Inborn genetic diseases. Identifiers: MedGen C0950123, MeSH D030342.

Allele frequency attached by ClinVar (database versions not stated): ExAC 0.00015.
gnomAD v4.1: 66 of 1,613,846 alleles (0.0041%); highest among the groups gnomAD compares: Admixed American, 0.088%; 1 homozygote.

Submissions (3):

Ambry Genetics
Classification: Uncertain significance for Inborn genetic diseases. Last evaluated: 2023-12-15. Review status: criteria provided, single submitter. Criteria: Ambry Variant Classification Scheme 2023. Collection method: clinical testing. Allele origin: germline.

Labcorp Genetics (formerly Invitae), Labcorp
Classification: Uncertain significance. Last evaluated: 2022-10-19. Review status: criteria provided, single submitter. Criteria: Invitae Variant Classification Sherloc (09022015). Collection method: clinical testing. Allele origin: germline.
Comment: This sequence change replaces glycine, which is neutral and non-polar, with arginine, which is basic and polar, at codon 267 of the RIN2 protein (p.Gly267Arg). This variant is present in population databases (rs766561913, gnomAD 0.1%). This variant has not been reported in the literature in individuals affected with RIN2-related conditions. Algorithms developed to predict the effect of missense changes on protein structure and function are either unavailable or do not agree on the potential impact of this missense change (SIFT: "Deleterious"; PolyPhen-2: "Not Available"; Align-GVGD: "Class C0"). In summary, the available evidence is currently insufficient to determine the role of this variant in disease. Therefore, it has been classified as a Variant of Uncertain Significance.

GeneDx
Classification: Uncertain significance. Last evaluated: 2022-10-14. Review status: criteria provided, single submitter. Criteria: GeneDx Variant Classification Process June 2021. Collection method: clinical testing. Allele origin: germline. Affected: yes.
Comment: In silico analysis supports that this missense variant has a deleterious effect on protein structure/function; Has not been previously published as pathogenic or benign to our knowledge